The following is an entry in ClinVar:

ClinVar aggregate classification (germline): Conflicting classifications of pathogenicity. Review status: criteria provided, conflicting classifications (1 of 4 stars). 3 submissions from 3 submitters: Uncertain significance (2); Likely benign (1). Last evaluated 2026-03-24.

Conditions:
Familial thoracic aortic aneurysm and aortic dissection (TAAD). Also called: Thoracic aortic aneurysms and dissections. Identifiers: Orphanet 91387, MedGen C4707243, MONDO:0019625.

Allele frequency attached by ClinVar (database versions not stated): gnomAD exomes 0.00001; TOPMed 0.00003; gnomAD 0.00001; ExAC 0.00002; ESP Exome Variant Server 0.00008.
gnomAD v4.1: 4 of 1,613,808 alleles (0.00025%); highest among the groups gnomAD compares: African/African-American, 0.0053%; no homozygotes.

Submissions (3):

Ambry Genetics
Classification: Uncertain significance for Familial thoracic aortic aneurysm and aortic dissection. Last evaluated: 2026-03-24. Review status: criteria provided, single submitter. Criteria: Ambry Variant Classification Scheme 2023. Collection method: clinical testing. Allele origin: germline.
Comment: The p.P205S variant (also known as c.613C>T), located in coding exon 5 of the SMAD3 gene, results from a C to T substitution at nucleotide position 613. The proline at codon 205 is replaced by serine, an amino acid with similar properties. This amino acid position is highly conserved in available vertebrate species. In addition, this alteration is predicted to be deleterious by in silico analysis. Based on the available evidence, the clinical significance of this variant remains unclear.

Labcorp Genetics (formerly Invitae), Labcorp
Classification: Likely benign for Familial thoracic aortic aneurysm and aortic dissection. Last evaluated: 2022-08-31. Review status: criteria provided, single submitter. Criteria: Invitae Variant Classification Sherloc (09022015). Collection method: clinical testing. Allele origin: germline.

Color Diagnostics, LLC DBA Color Health
Classification: Uncertain significance for Familial thoracic aortic aneurysm and aortic dissection. Last evaluated: 2019-07-29. Review status: criteria provided, single submitter. Criteria: ACMG Guidelines, 2015. Collection method: clinical testing. Allele origin: germline.
Comment: This missense variant replaces proline with serine at codon 205 of the SMAD3 protein. Computational prediction tools and conservation analyses are inconclusive regarding the impact of this variant on protein function. Computational splicing tools suggest that this variant may not impact RNA splicing. To our knowledge, functional assays have not been performed for this variant nor has this variant been reported in individuals affected with cardiovascular disorders in the literature. This variant has been identified in 2/251446 chromosomes in the general population by the Genome Aggregation Database (gnomAD). Available evidence is insufficient to determine the role of this variant in disease conclusively. Therefore, this variant is classified as a Variant of Uncertain Significance.

NM_005902.4(SMAD3):c.613C>T (p.Pro205Ser)

Gene: SMAD3 (SMAD family member 3; plus strand). Cytogenetic location: 15q22.33.
Variant type: single nucleotide variant.
Coding change: c.613C>T on transcript NM_005902.4 (MANE Select); coding-DNA position 613, C replaced by T.
Protein change: p.Pro205Ser; replaces proline 205 with serine.
Molecular consequence: missense variant.
Genome position (GRCh38, 1-based): chr15:67,170,559, C>T. VCF-style: chr15-67170559-C-T. GRCh37 (hg19) VCF-style: chr15-67462897-C-T.
Other names: c.298C>T, p.Pro100Ser (NM_001145102.2); c.481C>T, p.Pro161Ser (NM_001145103.2); c.28C>T, p.Pro10Ser (NM_001145104.2); short protein forms P100S, P10S, P161S, P205S.
Identifiers: ClinVar variation 923152 (VCV000923152.10), dbSNP rs150682850, ClinGen allele CA062437.